The following is an entry in ClinVar:

NM_024854.5(PYROXD1):c.343G>A (p.Gly115Arg)

Gene: PYROXD1 (pyridine nucleotide-disulphide oxidoreductase domain 1; plus strand). Cytogenetic location: 12p12.1.
Variant type: single nucleotide variant.
Coding change: c.343G>A on transcript NM_024854.5 (MANE Select); coding-DNA position 343, G replaced by A.
Protein change: p.Gly115Arg; replaces glycine 115 with arginine.
Molecular consequence: missense variant. On other transcripts: 5 prime UTR variant (1).
Genome position (GRCh38, 1-based): chr12:21,449,620, G>A. VCF-style: chr12-21449620-G-A. GRCh37 (hg19) VCF-style: chr12-21602554-G-A.
Other names: c.130G>A, p.Gly44Arg (NM_001350912.2); c.-361G>A (NM_001350913.2); short protein forms G44R, G115R.
Identifiers: ClinVar variation 1028346 (VCV001028346.1), dbSNP rs1942454969, ClinGen allele CA384301897.

ClinVar aggregate classification (germline): Uncertain significance (1 of 4 stars; one submission).

Conditions:
Myofibrillar myopathy 8. Identifiers: MedGen C4310645, MONDO:0014993, OMIM 617258.

Submission:

Baylor Genetics
Classification: Uncertain significance for Myofibrillar myopathy 8. Last evaluated: 2019-09-05. Review status: criteria provided, single submitter. Criteria: ACMG Guidelines, 2015. Collection method: clinical testing. Allele origin: unknown. Affected: yes.
Comment: This variant was determined to be of uncertain significance according to ACMG Guidelines, 2015 [PMID:25741868].